The following is an entry in ClinVar:

ClinVar aggregate classification (germline): Uncertain significance (1 of 4 stars; one submission).

Conditions:
Hereditary hyperekplexia. Identifiers: Orphanet 3197, MedGen C4084968, MONDO:0021022.

Submission:

Labcorp Genetics (formerly Invitae), Labcorp
Classification: Uncertain significance for Hereditary hyperekplexia. Last evaluated: 2024-06-10. Review status: criteria provided, single submitter. Criteria: Invitae Variant Classification Sherloc (09022015). Collection method: clinical testing. Allele origin: germline.
Comment: This sequence change replaces serine, which is neutral and polar, with phenylalanine, which is neutral and non-polar, at codon 23 of the GLRA1 protein (p.Ser23Phe). This variant is not present in population databases (gnomAD no frequency). This variant has not been reported in the literature in individuals affected with GLRA1-related conditions. ClinVar contains an entry for this variant (Variation ID: 1991724). Advanced modeling of protein sequence and biophysical properties (such as structural, functional, and spatial information, amino acid conservation, physicochemical variation, residue mobility, and thermodynamic stability) has been performed at Invitae for this missense variant, however the output from this modeling did not meet the statistical confidence thresholds required to predict the impact of this variant on GLRA1 protein function. In summary, the available evidence is currently insufficient to determine the role of this variant in disease. Therefore, it has been classified as a Variant of Uncertain Significance.

NM_000171.4(GLRA1):c.68C>T (p.Ser23Phe)

Gene: GLRA1 (glycine receptor alpha 1; minus strand). Cytogenetic location: 5q33.1.
Variant type: single nucleotide variant.
Coding change: c.68C>T on transcript NM_000171.4 (MANE Select); coding-DNA position 68, C replaced by T.
Protein change: p.Ser23Phe; replaces serine 23 with phenylalanine.
Molecular consequence: missense variant. On other transcripts: intron variant (1).
Genome position (GRCh38, 1-based): chr5:151,892,427, G>A on the plus strand (C>T on the coding strand, the complement: GLRA1 is on the minus strand). VCF-style: chr5-151892427-G-A. GRCh37 (hg19) VCF-style: chr5-151271988-G-A.
Other names: c.68C>T, p.Ser23Phe (NM_001146040.2); c.-65-5639C>T (NM_001292000.2); short protein forms S23F.
Identifiers: ClinVar variation 1991724 (VCV001991724.4), dbSNP rs2480063391, ClinGen allele CA361848092.